The following is an entry in ClinVar:

NM_000059.4(BRCA2):c.7215_7218del (p.Val2407fs)

Gene: BRCA2 (BRCA2 DNA repair associated; plus strand). Cytogenetic location: 13q13.1.
Variant type: Deletion.
Coding change: c.7215_7218del on transcript NM_000059.4 (MANE Select); coding-DNA positions 7215 to 7218, 4 bases deleted (CTTT; older notation c.7215_7218delCTTT).
Protein change: p.Val2407fs; shifts the reading frame from valine 2407.
Molecular consequence: frameshift variant.
Genome position (GRCh38, 1-based): chr13:32,355,068-32,355,071, CTTT deleted; deleting any 4 consecutive bases within chr13:32,355,067-32,355,071 gives the same sequence; the c. name uses the placement nearest the transcript's 3' end. VCF-style (leftmost placement, unchanged base first): chr13-32355066-GTCTT-G. GRCh37 (hg19) VCF-style: chr13-32929203-GTCTT-G.
Other names: c.7215_7218delCTTT (NM_000059.3); short protein forms V2407fs.
Identifiers: ClinVar variation 462432 (VCV000462432.7), dbSNP rs1555286048, ClinGen allele CA658656407.

ClinVar aggregate classification (germline): Pathogenic (1 of 4 stars; one submission).

Conditions:
Hereditary breast ovarian cancer syndrome. Also called: Hereditary breast and ovarian cancer syndrome (HBOC); Hereditary breast and ovarian cancer syndrome; Breast and ovarian cancer; Hereditary breast and/or ovarian cancer syndrome; Hereditary breast and ovarian cancer; BRCA1- and BRCA2-Associated Hereditary Breast and Ovarian Cancer. Identifiers: Orphanet 145, MedGen C0677776, MeSH D061325, MONDO:0003582. Disease mechanism: loss of function.

Submission:

Labcorp Genetics (formerly Invitae), Labcorp
Classification: Pathogenic for Hereditary breast ovarian cancer syndrome. Last evaluated: 2017-03-27. Review status: criteria provided, single submitter. Criteria: Invitae Variant Classification Sherloc (09022015). Collection method: clinical testing. Allele origin: germline.
Comment: For these reasons, this variant has been classified as Pathogenic. While this particular variant has not been reported in the literature, loss-of-function variants in BRCA2 are known to be pathogenic (PMID: 20104584). This sequence change deletes 4 nucleotides from exon 14 of the BRCA2 mRNA (c.7215_7218delCTTT), causing a frameshift at codon 2407. This creates a premature translational stop signal (p.Val2407Hisfs*61) and is expected to result in an absent or disrupted protein product.

Literature cited by the submitters: PubMed 20104584.